The following is an entry in ClinVar:

ClinVar aggregate classification (germline): Uncertain significance (1 of 4 stars; one submission).

gnomAD v4.1: 2 of 1,609,144 alleles (0.00012%); highest among the groups gnomAD compares: East Asian, 0.0022%; no homozygotes.

Submission:

Women's Health and Genetics/Laboratory Corporation of America, LabCorp
Classification: Uncertain significance. Last evaluated: 2026-06-12. Review status: criteria provided, single submitter. Criteria: LabCorp Variant Classification Summary - May 2015. Collection method: clinical testing. Allele origin: germline.
Comment: Variant summary: CIC c.2354C>T (p.Ala785Val) results in a non-conservative amino acid change in the encoded protein sequence. Algorithms developed to predict the effect of missense changes on protein structure and function are either unavailable or do not agree on the potential impact of this missense change. The variant was absent in 243572 control chromosomes. The available data on variant occurrences in the general population are insufficient to allow any conclusion about variant significance. To our knowledge, no occurrence of c.2354C>T in individuals affected with CIC-related conditions and no experimental evidence demonstrating its impact on protein function have been reported. No submitters have cited clinical-significance assessments for this variant to ClinVar. Based on the evidence outlined above, the variant was classified as uncertain significance.

NM_001386298.1(CIC):c.5081C>T (p.Ala1694Val)

Gene: CIC (capicua transcriptional repressor; plus strand). Cytogenetic location: 19q13.2.
Variant type: single nucleotide variant.
Coding change: c.5081C>T on transcript NM_001386298.1 (MANE Select); coding-DNA position 5081, C replaced by T.
Protein change: p.Ala1694Val; replaces alanine 1694 with valine.
Molecular consequence: missense variant.
Genome position (GRCh38, 1-based): chr19:42,291,122, C>T. VCF-style: chr19-42291122-C-T. GRCh37 (hg19) VCF-style: chr19-42795274-C-T.
Other names: c.5081C>T, p.Ala1694Val (NM_001304815.2, NM_001379480.1, NM_001379482.1 and 6 more transcripts); c.2354C>T, p.Ala785Val (NM_001379484.1, NM_001379485.1, NM_001439189.1 and 3 more transcripts); short protein forms A1694V, A785V.
Identifiers: ClinVar variation 4887297 (VCV004887297.1).
Genomic context (GRCh38, chr19:42,291,122, plus strand): 5'-TGGGCACCCCGGGGTATGGGGCCCCTGCGCCCCCTGCTGTCCAGTTCATTGCCCAGGGGG[C>T]CCCTGGTGGTGGGACCACTGCGGGCTCAGGAGCAGGTGCTGGGAGTGGCCCCAATGGGCC-3'
Protein context (NP_001373227.1, residues 1684-1704): PPAVQFIAQG[Ala1694Val]PGGGTTAGSG